The following is an entry in ClinVar:

NM_181712.5(KANK4):c.2741C>G (p.Ala914Gly)

Gene: KANK4 (KN motif and ankyrin repeat domains 4; minus strand). Cytogenetic location: 1p31.3.
Variant type: single nucleotide variant.
Coding change: c.2741C>G on transcript NM_181712.5 (MANE Select); coding-DNA position 2741, C replaced by G.
Protein change: p.Ala914Gly; replaces alanine 914 with glycine.
Molecular consequence: missense variant.
Genome position (GRCh38, 1-based): chr1:62,247,614, G>C on the plus strand (C>G on the coding strand, the complement: KANK4 is on the minus strand). VCF-style: chr1-62247614-G-C. GRCh37 (hg19) VCF-style: chr1-62713286-G-C.
Other names: c.857C>G, p.Ala286Gly (NM_001320269.2); short protein forms A914G, A286G.
Identifiers: ClinVar variation 2516773 (VCV002516773.2), dbSNP rs762022520, ClinGen allele CA883989.
Genomic context (GRCh38, chr1:62,247,614, plus strand): 5'-ATGAGGGCCGAGGATCCATCGTGGTCCTGCAGATTGACATCTGCCTGGCAGCTAAGCAGC[G>C]CTTGAACCATGTCCTCCCTGTCGTGGCTGACTCCCAGCATCAGCGCAGTCTGGCCTCCCT-3'
Protein context (NP_859063.3, residues 904-924): VSHDREDMVQ[Ala914Gly]LLSCQADVNL

ClinVar aggregate classification (germline): Uncertain significance (1 of 4 stars; one submission).

gnomAD v4.1: 10 of 1,613,910 alleles (0.00062%); highest among the groups gnomAD compares: East Asian, 0.02%; no homozygotes.

Submission:

Ambry Genetics
Classification: Uncertain significance. Last evaluated: 2023-05-03. Review status: criteria provided, single submitter. Criteria: Ambry Variant Classification Scheme 2023. Collection method: clinical testing. Allele origin: germline.
Comment: Does not currently meet published gene-disease clinical validity criteria Based on insufficient or conflicting evidence, the clinical significance of this alteration remains unclear.

Literature cited by the submitters: PubMed 28106320.